The following is an entry in ClinVar:

NM_152564.5(VPS13B):c.5140_5157del (p.Ser1714_Gln1719del)

Gene: VPS13B (vacuolar protein sorting 13 homolog B; plus strand). Cytogenetic location: 8q22.2.
Variant type: Deletion.
Coding change: c.5140_5157del on transcript NM_152564.5 (MANE Select); coding-DNA positions 5140 to 5157, 18 bases deleted (AGTGTGGCTCAAGTTCAA).
Protein change: p.Ser1714_Gln1719del.
Molecular consequence: inframe deletion.
Genome position (GRCh38, 1-based): chr8:99,577,553-99,577,570, AGTGTGGCTCAAGTTCAA deleted; deleting any 18 consecutive bases within chr8:99,577,552-99,577,570 gives the same sequence; the c. name uses the placement nearest the transcript's 3' end. VCF-style (leftmost placement, unchanged base first): chr8-99577551-TAAGTGTGGCTCAAGTTCA-T. GRCh37 (hg19) VCF-style: chr8-100589779-TAAGTGTGGCTCAAGTTCA-T.
Other names: c.5215_5232del, p.Ser1739_Gln1744del (NM_017890.5).
Identifiers: ClinVar variation 56671 (VCV000056671.2), dbSNP rs180177362, ClinGen allele CA264093.

ClinVar aggregate classification (germline): Pathogenic/Likely pathogenic. Review status: no assertion criteria provided (0 of 4 stars). 2 submissions from 2 submitters: Pathogenic (1); Likely pathogenic (1).

Conditions:
Cohen syndrome (COH1). Also called: PEPPER SYNDROME; Cutis verticis gyrata, retinitis pigmentosa, and sensorineural deafness. Identifiers: Orphanet 193, MedGen C0265223, MONDO:0008999, OMIM 216550.

Submissions (2):

Juha Muilu Group; Institute for Molecular Medicine Finland (FIMM)
Classification: Likely pathogenic for Cohen syndrome. Review status: no assertion criteria provided. Collection method: not provided. Allele origin: unknown.
Comment: FinDis database variant: This variant was not found or characterized by our laboratory, data were collected from public sources: see reference
ClinVar note: Converted during submission from probable-pathogenic to Likely pathogenic.

SNPedia
Classification: Pathogenic. Review status: no assertion criteria provided. Collection method: not provided. Allele origin: germline.
ClinVar note: Converted during submission from pathogenic to Pathogenic.